The following is an entry in ClinVar:

ClinVar aggregate classification (germline): Likely pathogenic (1 of 4 stars; one submission).

Conditions:
Stickler syndrome, type I, nonsyndromic ocular. Also called: STICKLER SYNDROME, ATYPICAL; STICKLER SYNDROME, TYPE I, PREDOMINANTLY OCULAR. Identifiers: MedGen C1836080, MONDO:0012287, OMIM 609508.

Submission:

3billion
Classification: Likely pathogenic for Stickler syndrome, type I, nonsyndromic ocular. Last evaluated: 2025-12-16. Review status: criteria provided, single submitter. Criteria: ACMG Guidelines, 2015. Collection method: clinical testing. Allele origin: germline. Affected: yes.
Comment: The variant is not observed in the gnomAD v4.1.0 dataset. Predicted Consequence/Location: Canonical splice site: predicted to alter splicing and result in a loss or disruption of normal protein function. Multiple pathogenic loss-of-function variants are reported downstream of the variant. In silico tools predict the variant to alter splicing and produce an abnormal transcript [SpliceAI: 0.99 (spliceogenicity >=0.2, non-spliceogenicity <0.1)]. Therefore, this variant is classified as Likely pathogenic according to the recommendation of ACMG/AMP guideline.

NM_001844.5(COL2A1):c.1834-1G>C

Gene: COL2A1 (collagen type II alpha 1 chain; minus strand). Cytogenetic location: 12q13.11.
Variant type: single nucleotide variant.
Coding change: c.1834-1G>C on transcript NM_001844.5 (MANE Select); the canonical splice acceptor site of the intron before coding-DNA position 1834, G replaced by C.
Molecular consequence: splice acceptor variant.
Genome position (GRCh38, 1-based): chr12:47,984,600, C>G on the plus strand (G>C on the coding strand, the complement: COL2A1 is on the minus strand). VCF-style: chr12-47984600-C-G. GRCh37 (hg19) VCF-style: chr12-48378383-C-G.
Other names: c.1627-1G>C (NM_033150.3).
Identifiers: ClinVar variation 4855904 (VCV004855904.1).